The following is an entry in ClinVar:

NM_001381.5(DOK1):c.17T>C (p.Met6Thr)

Genes: LOXL3 (lysyl oxidase like 3; minus strand), DOK1 (docking protein 1; plus strand), LOC129934146 (ATAC-STARR-seq lymphoblastoid silent region 11670; plus strand). Cytogenetic location: 2p13.1.
Variant type: single nucleotide variant.
Coding change: c.17T>C on transcript NM_001381.5 (MANE Select); coding-DNA position 17, T replaced by C.
Protein change: p.Met6Thr; replaces methionine 6 with threonine.
Molecular consequence: missense variant. On other transcripts: 5 prime UTR variant (3), intron variant (1).
Genome position (GRCh38, 1-based): chr2:74,554,771, T>C. VCF-style: chr2-74554771-T-C. GRCh37 (hg19) VCF-style: chr2-74781898-T-C.
Other names: c.17T>C (NM_001381.3); c.-399T>C (NM_001318866.2); c.-60T>C (NM_001318867.2); c.17T>C, p.Met6Thr (NM_001318868.2); c.-435T>C (NM_001318869.2); c.-357-383T>C (NM_001197260.2); short protein forms M6T.
Identifiers: ClinVar variation 2651077 (VCV002651077.25), dbSNP rs1677290412, ClinGen allele CA347399945.

ClinVar aggregate classification (germline): Uncertain significance. Review status: criteria provided, multiple submitters, no conflicts (2 of 4 stars). 2 submissions from 2 submitters: Uncertain significance (2). Last evaluated 2024-09-04.

gnomAD v4.1: 1 of 1,613,420 alleles (0.000062%); no homozygotes.

Submissions (2):

Ambry Genetics
Classification: Uncertain significance. Last evaluated: 2024-09-04. Review status: criteria provided, single submitter. Criteria: Ambry Variant Classification Scheme 2023. Collection method: clinical testing. Allele origin: germline.

CeGaT Center for Human Genetics Tuebingen
Classification: Uncertain significance. Last evaluated: 2022-08-01. Review status: criteria provided, single submitter. Criteria: CeGaT Center For Human Genetics Tuebingen Variant Classification Criteria Version 2. Collection method: clinical testing. Allele origin: germline. Affected: yes. Observed: 1 variant allele.
Comment: DOK1: PM2